The following is an entry in ClinVar:

NM_018192.4(P3H2):c.956-2A>G

Gene: P3H2 (prolyl 3-hydroxylase 2; minus strand). Cytogenetic location: 3q28.
Variant type: single nucleotide variant.
Coding change: c.956-2A>G on transcript NM_018192.4 (MANE Select); the canonical splice acceptor site of the intron before coding-DNA position 956, A replaced by G.
Molecular consequence: splice acceptor variant.
Genome position (GRCh38, 1-based): chr3:189,987,671, T>C on the plus strand (A>G on the coding strand, the complement: P3H2 is on the minus strand). VCF-style: chr3-189987671-T-C. GRCh37 (hg19) VCF-style: chr3-189705460-T-C.
Other names: c.413-2A>G (NM_001134418.2).
Identifiers: ClinVar variation 2809806 (VCV002809806.3), dbSNP rs2473819666, ClinGen allele CA355758066.
Genomic context (GRCh38, chr3:189,987,671, plus strand): 5'-ATCTGGATGGCATAGAAGATAGGCTTTGGCACACTCCAGGGCTTTCACATACTCACCAAC[T>C]GAAAGACAAAGGAGTTGCAGCATTAGAGTCAGCCTAGGTCTGTCCAAAGGATTTTAAAGG-3'

ClinVar aggregate classification (germline): Likely pathogenic (1 of 4 stars; one submission).

Submission:

Labcorp Genetics (formerly Invitae), Labcorp
Classification: Likely pathogenic. Last evaluated: 2022-10-26. Review status: criteria provided, single submitter. Criteria: Invitae Variant Classification Sherloc (09022015). Collection method: clinical testing. Allele origin: germline.
Comment: In summary, the currently available evidence indicates that the variant is pathogenic, but additional data are needed to prove that conclusively. Therefore, this variant has been classified as Likely Pathogenic. Algorithms developed to predict the effect of sequence changes on RNA splicing suggest that this variant may disrupt the consensus splice site. This variant has not been reported in the literature in individuals affected with P3H2-related conditions. This variant is not present in population databases (gnomAD no frequency). This sequence change affects an acceptor splice site in intron 4 of the P3H2 gene. It is expected to disrupt RNA splicing. Variants that disrupt the donor or acceptor splice site typically lead to a loss of protein function (PMID: 16199547), and loss-of-function variants in P3H2 are known to be pathogenic (PMID: 24172257, 25469533).

Literature cited by the submitters: PubMed 16199547; PubMed 24172257; PubMed 25469533.